The following is an entry in ClinVar:

ClinVar aggregate classification (germline): Uncertain significance. Review status: criteria provided, multiple submitters, no conflicts (2 of 4 stars). 3 submissions from 3 submitters: Uncertain significance (3). Last evaluated 2026-07-08.

Conditions:
Hereditary cancer-predisposing syndrome. Also called: Neoplastic Syndromes, Hereditary; Hereditary Cancer Syndrome; Tumor predisposition; Hereditary neoplastic syndrome. Identifiers: Orphanet 140162, MedGen C0027672, MeSH D009386, MONDO:0015356.
Familial thoracic aortic aneurysm and aortic dissection (TAAD). Also called: Thoracic aortic aneurysms and dissections. Identifiers: Orphanet 91387, MedGen C4707243, MONDO:0019625.
Juvenile polyposis syndrome (JPS). Identifiers: Orphanet 2929, MedGen C0345893, MONDO:0017380, OMIM 174900.
Juvenile polyposis/hereditary hemorrhagic telangiectasia syndrome (JPHT). Also called: JP/HHT SYNDROME; JUVENILE POLYPOSIS WITH HEREDITARY HEMORRHAGIC TELANGIECTASIA; POLYPOSIS, GENERALIZED JUVENILE, WITH PULMONARY ARTERIOVENOUS MALFORMATION; TELANGIECTASIA, HEREDITARY HEMORRHAGIC, WITH JUVENILE POLYPOSIS COLI; Juvenile Polyposis Syndrome / Hereditary Hemorrhagic Telangiectasia (JPS/HHT). Identifiers: Orphanet 2929, MedGen C1832942, MONDO:0008278, OMIM 175050.

Allele frequency attached by ClinVar (database versions not stated): gnomAD exomes below 0.00001.

Submissions (3):

Ambry Genetics
Classification: Uncertain significance for Hereditary cancer-predisposing syndrome; Familial thoracic aortic aneurysm and aortic dissection. Last evaluated: 2026-07-08. Review status: criteria provided, single submitter. Criteria: Ambry Variant Classification Scheme 2023. Collection method: clinical testing. Allele origin: germline.
Comment: The p.I525T variant (also known as c.1574T>C), located in coding exon 11 of the SMAD4 gene, results from a T to C substitution at nucleotide position 1574. The isoleucine at codon 525 is replaced by threonine, an amino acid with similar properties. This amino acid position is conserved. In addition, this alteration is predicted to be deleterious by in silico analysis. Based on the available evidence, the clinical significance of this alteration remains unclear.

Labcorp Genetics (formerly Invitae), Labcorp
Classification: Uncertain significance for Juvenile polyposis syndrome. Last evaluated: 2024-07-24. Review status: criteria provided, single submitter. Criteria: Invitae Variant Classification Sherloc (09022015). Collection method: clinical testing. Allele origin: germline.
Comment: This sequence change replaces isoleucine, which is neutral and non-polar, with threonine, which is neutral and polar, at codon 525 of the SMAD4 protein (p.Ile525Thr). This variant is present in population databases (no rsID available, gnomAD 0.0009%). This variant has not been reported in the literature in individuals affected with SMAD4-related conditions. ClinVar contains an entry for this variant (Variation ID: 962185). Advanced modeling of protein sequence and biophysical properties (such as structural, functional, and spatial information, amino acid conservation, physicochemical variation, residue mobility, and thermodynamic stability) has been performed at Invitae for this missense variant, however the output from this modeling did not meet the statistical confidence thresholds required to predict the impact of this variant on SMAD4 protein function. In summary, the available evidence is currently insufficient to determine the role of this variant in disease. Therefore, it has been classified as a Variant of Uncertain Significance.

Baylor Genetics
Classification: Uncertain significance for Juvenile polyposis/hereditary hemorrhagic telangiectasia syndrome. Last evaluated: 2023-12-27. Review status: criteria provided, single submitter. Criteria: ACMG Guidelines, 2015. Collection method: clinical testing. Allele origin: unknown.

NM_005359.6(SMAD4):c.1574T>C (p.Ile525Thr)

Gene: SMAD4 (SMAD family member 4; plus strand). Cytogenetic location: 18q21.2.
Variant type: single nucleotide variant.
Coding change: c.1574T>C on transcript NM_005359.6 (MANE Select); coding-DNA position 1574, T replaced by C.
Protein change: p.Ile525Thr; replaces isoleucine 525 with threonine.
Molecular consequence: missense variant.
Genome position (GRCh38, 1-based): chr18:51,078,382, T>C. VCF-style: chr18-51078382-T-C. GRCh37 (hg19) VCF-style: chr18-48604752-T-C.
Other names: short protein forms I525T.
Identifiers: ClinVar variation 962185 (VCV000962185.12), dbSNP rs1304558237, ClinGen allele CA402466066.